The following is an entry in ClinVar:

NM_002524.5(NRAS):c.*3500G>A

Gene: NRAS (NRAS proto-oncogene, GTPase; minus strand). Cytogenetic location: 1p13.2.
Variant type: single nucleotide variant.
Coding change: c.*3500G>A on transcript NM_002524.5 (MANE Select); 3500 bases downstream of the stop codon, G replaced by A.
Molecular consequence: 3 prime UTR variant.
Genome position (GRCh38, 1-based): chr1:114,704,594, C>T on the plus strand (G>A on the coding strand, the complement: NRAS is on the minus strand). VCF-style: chr1-114704594-C-T. GRCh37 (hg19) VCF-style: chr1-115247215-C-T.
Identifiers: ClinVar variation 876141 (VCV000876141.4), dbSNP rs528970050, ClinGen allele CA29039425.
Genomic context (GRCh38, chr1:114,704,594, plus strand): 5'-AACCAAATTAAAAAGAACTAGGTTGGATTAATTTACAATAAAATAATCAACTTAAAATAT[C>T]GGCCCTTCCATTTAGGGCCAAGGAGGCCAATAGTTCCTGTTTAAACAGCAGAATTGCACA-3'

ClinVar aggregate classification (germline): Likely benign (1 of 4 stars; one submission).

Conditions:
Noonan syndrome 6 (NS6). Also called: NRAS-Related Noonan Syndrome. Identifiers: Orphanet 648, MedGen C2750732, MONDO:0013186, OMIM 613224.

Allele frequency attached by ClinVar (database versions not stated): gnomAD 0.00001 and 0.00005; TOPMed 0.00003; 1000 Genomes Project 0.00040; 1000 Genomes Project 30x 0.00047.

Submission:

Illumina Laboratory Services, Illumina
Classification: Likely benign for Noonan syndrome 6. Last evaluated: 2018-01-12. Review status: criteria provided, single submitter. Criteria: ICSL Variant Classification Criteria 13 December 2019. Collection method: clinical testing. Allele origin: germline.
Comment: This variant was observed in the ICSL laboratory as part of a predisposition screen in an ostensibly healthy population. It had not been previously curated by ICSL or reported in the Human Gene Mutation Database (HGMD: prior to June 1st, 2018), and was therefore a candidate for classification through an automated scoring system. Utilizing variant allele frequency, disease prevalence and penetrance estimates, and inheritance mode, an automated score was calculated to assess if this variant is too frequent to cause the disease. Based on the score and internal cut-off values, a variant classified as likely benign is not then subjected to further curation. The score for this variant resulted in a classification of likely benign for this disease.